The following is an entry in ClinVar:

NM_006206.6(PDGFRA):c.838G>A (p.Ala280Thr)

Gene: PDGFRA (platelet derived growth factor receptor alpha; plus strand). Cytogenetic location: 4q12.
Variant type: single nucleotide variant.
Coding change: c.838G>A on transcript NM_006206.6 (MANE Select); coding-DNA position 838, G replaced by A.
Protein change: p.Ala280Thr; replaces alanine 280 with threonine.
Molecular consequence: missense variant.
Genome position (GRCh38, 1-based): chr4:54,267,367, G>A. VCF-style: chr4-54267367-G-A. GRCh37 (hg19) VCF-style: chr4-55133534-G-A.
Other names: c.838G>A, p.Ala280Thr (NM_001347827.2, NM_001347829.2); c.913G>A, p.Ala305Thr (NM_001347828.2); c.877G>A, p.Ala293Thr (NM_001347830.2); short protein forms A280T, A293T, A305T.
Identifiers: ClinVar variation 2105752 (VCV002105752.4), dbSNP rs150927351, ClinGen allele CA356891214.

ClinVar aggregate classification (germline): Uncertain significance (1 of 4 stars; one submission).

Conditions:
Gastrointestinal stromal tumor. Also called: Gastrointestinal stroma tumor; Gastrointestinal stromal tumor, somatic. Identifiers: Orphanet 44890, MedGen C0238198, MeSH D046152, MONDO:0011719, OMIM 606764, HP:0100723.

Submission:

Labcorp Genetics (formerly Invitae), Labcorp
Classification: Uncertain significance for Gastrointestinal stromal tumor. Last evaluated: 2022-04-12. Review status: criteria provided, single submitter. Criteria: Invitae Variant Classification Sherloc (09022015). Collection method: clinical testing. Allele origin: germline.
Comment: In summary, the available evidence is currently insufficient to determine the role of this variant in disease. Therefore, it has been classified as a Variant of Uncertain Significance. Algorithms developed to predict the effect of missense changes on protein structure and function (SIFT, PolyPhen-2, Align-GVGD) all suggest that this variant is likely to be disruptive. This variant has not been reported in the literature in individuals affected with PDGFRA-related conditions. This variant is not present in population databases (gnomAD no frequency). This sequence change replaces alanine, which is neutral and non-polar, with threonine, which is neutral and polar, at codon 280 of the PDGFRA protein (p.Ala280Thr).